The following is an entry in ClinVar:

NM_000360.4(TH):c.970C>T (p.Pro324Ser)

Gene: TH (tyrosine hydroxylase; minus strand). Cytogenetic location: 11p15.5.
Variant type: single nucleotide variant.
Coding change: c.970C>T on transcript NM_000360.4 (MANE Select); coding-DNA position 970, C replaced by T.
Protein change: p.Pro324Ser; replaces proline 324 with serine.
Molecular consequence: missense variant.
Genome position (GRCh38, 1-based): chr11:2,166,640, G>A on the plus strand (C>T on the coding strand, the complement: TH is on the minus strand). VCF-style: chr11-2166640-G-A. GRCh37 (hg19) VCF-style: chr11-2187870-G-A.
Other names: c.1063C>T (NM_199292.2); c.1063C>T, p.Pro355Ser (NM_199292.3); c.1051C>T, p.Pro351Ser (NM_199293.3); short protein forms P324S, P355S, P351S.
Identifiers: ClinVar variation 2185990 (VCV002185990.2), dbSNP rs750868997, ClinGen allele CA5818445.
Genomic context (GRCh38, chr11:2,166,640, plus strand): 5'-GGCCGCCCGTCGCACCCCCCACCCTCGGGCTGGCGGCCAGGGCGCGCACTCACGGCTCAG[G>A]GGAGTGCATGGGCGAGGACGCGTGGCGGATATACTGGGTGCACTGGAACACGCGGAAGGC-3'
Protein context (NP_000351.2, residues 314-334): IRHASSPMHS[Pro324Ser]EPDCCHELLG

ClinVar aggregate classification (germline): Uncertain significance. Review status: criteria provided, multiple submitters, no conflicts (2 of 4 stars). 2 submissions from 2 submitters: Uncertain significance (2). Last evaluated 2025-11-03.

Conditions:
Inborn genetic diseases. Identifiers: MedGen C0950123, MeSH D030342.
TH-deficient dopa-responsive dystonia. Also called: Tyrosine Hydroxylase-Deficient Dopa-Responsive Dystonia; Segawa syndrome, autosomal recessive; DYT-TH. Identifiers: Orphanet 101150, MedGen C2673535, MONDO:0011551, OMIM 605407.

Allele frequency attached by ClinVar (database versions not stated): gnomAD exomes 0.00001; ExAC 0.00003.

Submissions (2):

Ambry Genetics
Classification: Uncertain significance for Inborn genetic diseases. Last evaluated: 2025-11-03. Review status: criteria provided, single submitter. Criteria: Ambry Variant Classification Scheme 2023. Collection method: clinical testing. Allele origin: germline.

Labcorp Genetics (formerly Invitae), Labcorp
Classification: Uncertain significance for TH-deficient dopa-responsive dystonia. Last evaluated: 2021-10-14. Review status: criteria provided, single submitter. Criteria: Invitae Variant Classification Sherloc (09022015). Collection method: clinical testing. Allele origin: germline.
Comment: This sequence change replaces proline with serine at codon 355 of the TH protein (p.Pro355Ser). The proline residue is highly conserved and there is a moderate physicochemical difference between proline and serine. This variant is present in population databases (rs750868997, ExAC 0.01%). This variant has not been reported in the literature in individuals affected with TH-related conditions. Advanced modeling of protein sequence and biophysical properties (such as structural, functional, and spatial information, amino acid conservation, physicochemical variation, residue mobility, and thermodynamic stability) performed at Invitae indicates that this missense variant is expected to disrupt TH protein function. In summary, the available evidence is currently insufficient to determine the role of this variant in disease. Therefore, it has been classified as a Variant of Uncertain Significance.